The following is an entry in ClinVar:

ClinVar aggregate classification (germline): Benign. Review status: criteria provided, multiple submitters, no conflicts (2 of 4 stars). 2 submissions from 2 submitters: Benign (2). Last evaluated 2018-06-28.

Conditions:
Hypomyelination and Congenital Cataract (HLD5). Also called: hypomyelinating leukodystrophy 5. Identifiers: Orphanet 85163, MedGen C1864663, MONDO:0012514, OMIM 610532.

Allele frequency attached by ClinVar (database versions not stated): TOPMed 0.06758; 1000 Genomes Project 30x 0.06871; 1000 Genomes Project 0.06969; gnomAD 0.07342 and 0.07552.
gnomAD v4.1: 53,805 of 592,352 alleles (9.1%); highest among the groups gnomAD compares: East Asian, 12%; 2,648 homozygotes.

Submissions (2):

GeneDx
Classification: Benign. Last evaluated: 2018-06-28. Review status: criteria provided, single submitter. Criteria: GeneDx Variant Classification Process June 2021. Collection method: clinical testing. Allele origin: germline. Affected: yes.

Illumina Laboratory Services, Illumina
Classification: Benign for Hypomyelination and Congenital Cataract. Last evaluated: 2018-01-13. Review status: criteria provided, single submitter. Criteria: ICSL Variant Classification Criteria 13 December 2019. Collection method: clinical testing. Allele origin: germline.
Comment: This variant was observed in the ICSL laboratory as part of a predisposition screen in an ostensibly healthy population. It had not been previously curated by ICSL or reported in the Human Gene Mutation Database (HGMD: prior to June 1st, 2018), and was therefore a candidate for classification through an automated scoring system. Utilizing variant allele frequency, disease prevalence and penetrance estimates, and inheritance mode, an automated score was calculated to assess if this variant is too frequent to cause the disease. Based on the score and internal cut-off values, a variant classified as benign is not then subjected to further curation. The score for this variant resulted in a classification of benign for this disease.

NM_032581.4(HYCC1):c.*198T>G

Gene: HYCC1 (hyccin PI4KA lipid kinase complex subunit 1; minus strand). Cytogenetic location: 7p15.3.
Variant type: single nucleotide variant.
Coding change: c.*198T>G on transcript NM_032581.4 (MANE Select); 198 bases downstream of the stop codon, T replaced by G.
Molecular consequence: 3 prime UTR variant.
Genome position (GRCh38, 1-based): chr7:22,945,391, A>C on the plus strand (T>G on the coding strand, the complement: HYCC1 is on the minus strand). VCF-style: chr7-22945391-A-C. GRCh37 (hg19) VCF-style: chr7-22985010-A-C.
Other names: c.*800T>G (NM_001363466.2); c.*758T>G (NM_001363467.2).
Identifiers: ClinVar variation 359764 (VCV000359764.6), dbSNP rs2286492, ClinGen allele CA10625821.
Genomic context (GRCh38, chr7:22,945,391, plus strand): 5'-GGCAACAATAACAAATAAGAGGAGGGAAAAAAAAGACTCAAACCAAGGGGAAAAAATCTT[A>C]ATCAAGAAATAACAAAACCATATTTCAACTTACTGCAACCTAGACAATCTTCCCTTCATA-3'